The following is an entry in ClinVar:

NM_018896.5(CACNA1G):c.1633G>C (p.Ala545Pro)

Gene: CACNA1G (calcium voltage-gated channel subunit alpha1 G; plus strand). Cytogenetic location: 17q21.33.
Variant type: single nucleotide variant.
Coding change: c.1633G>C on transcript NM_018896.5 (MANE Select); coding-DNA position 1633, G replaced by C.
Protein change: p.Ala545Pro; replaces alanine 545 with proline.
Molecular consequence: missense variant. On other transcripts: non-coding transcript variant (5).
Genome position (GRCh38, 1-based): chr17:50,576,035, G>C. VCF-style: chr17-50576035-G-C. GRCh37 (hg19) VCF-style: chr17-48653396-G-C.
Other names: c.1633G>C, p.Ala545Pro (NM_001256324.2, NM_001256325.2, NM_001256326.2 and 24 more transcripts); short protein forms A545P.
Identifiers: ClinVar variation 2152746 (VCV002152746.29), dbSNP rs778799229, ClinGen allele CA8652208.

ClinVar aggregate classification (germline): Benign/Likely benign. Review status: criteria provided, multiple submitters, no conflicts (2 of 4 stars). 3 submissions from 3 submitters: Benign (1); Likely benign (2). Last evaluated 2026-04-01.

Allele frequency attached by ClinVar (database versions not stated): TOPMed 0.00011; 1000 Genomes Project 30x 0.00016; gnomAD 0.00044.
gnomAD v4.1: 369 of 1,569,926 alleles (0.024%); highest among the groups gnomAD compares: Admixed American, 0.013%; 2 homozygotes.

Submissions (3):

CeGaT Center for Human Genetics Tuebingen
Classification: Likely benign. Last evaluated: 2026-04-01. Review status: criteria provided, single submitter. Criteria: CeGaT Center For Human Genetics Tuebingen Variant Classification Criteria Version 2. Collection method: clinical testing. Allele origin: germline. Affected: yes. Observed: 3 variant alleles.
Comment: CACNA1G: BS2

Labcorp Genetics (formerly Invitae), Labcorp
Classification: Benign. Last evaluated: 2025-06-05. Review status: criteria provided, single submitter. Criteria: Invitae Variant Classification Sherloc (09022015). Collection method: clinical testing. Allele origin: germline.

Blueprint Genetics
Classification: Likely benign. Last evaluated: 2024-10-08. Review status: criteria provided, single submitter. Criteria: ACMG Guidelines, 2015. Collection method: clinical testing. Allele origin: germline.